The following is an entry in ClinVar:

ClinVar aggregate classification (germline): Uncertain significance (0 of 4 stars; one submission).

Conditions:
TBX3-related disorder. Also called: TBX3-related condition.

Allele frequency attached by ClinVar (database versions not stated): gnomAD exomes below 0.00001; TOPMed 0.00002.
gnomAD v4.1: 5 of 1,575,372 alleles (0.00032%); highest among the groups gnomAD compares: African/African-American, 0.0027%; no homozygotes.

Submission:

PreventionGenetics, part of Exact Sciences
Classification: Uncertain significance for TBX3-related condition. Last evaluated: 2024-01-03. Review status: no assertion criteria provided. Collection method: clinical testing. Allele origin: germline.
Comment: The TBX3 c.2018A>C variant is predicted to result in the amino acid substitution p.Lys673Thr. To our knowledge, this variant has not been reported in the literature or in a large population database, indicating this variant is rare. At this time, the clinical significance of this variant is uncertain due to the absence of conclusive functional and genetic evidence.

NM_005996.4(TBX3):c.1958A>C (p.Lys653Thr)

Gene: TBX3 (T-box transcription factor 3; minus strand). Cytogenetic location: 12q24.21.
Variant type: single nucleotide variant.
Coding change: c.1958A>C on transcript NM_005996.4 (MANE Select); coding-DNA position 1958, A replaced by C.
Protein change: p.Lys653Thr; replaces lysine 653 with threonine.
Molecular consequence: missense variant.
Genome position (GRCh38, 1-based): chr12:114,672,055, T>G on the plus strand (A>C on the coding strand, the complement: TBX3 is on the minus strand). VCF-style: chr12-114672055-T-G. GRCh37 (hg19) VCF-style: chr12-115109860-T-G.
Other names: c.2018A>C, p.Lys673Thr (NM_016569.4); short protein forms K653T, K673T.
Identifiers: ClinVar variation 3055425 (VCV003055425.2), dbSNP rs1416254745, ClinGen allele CA386867844.